The following is an entry in ClinVar:

NM_000379.4(XDH):c.*878T>C

Gene: XDH (xanthine dehydrogenase; minus strand). Cytogenetic location: 2p23.1.
Variant type: single nucleotide variant.
Coding change: c.*878T>C on transcript NM_000379.4 (MANE Select); 878 bases downstream of the stop codon, T replaced by C.
Molecular consequence: 3 prime UTR variant.
Genome position (GRCh38, 1-based): chr2:31,335,080, A>G on the plus strand (T>C on the coding strand, the complement: XDH is on the minus strand). VCF-style: chr2-31335080-A-G. GRCh37 (hg19) VCF-style: chr2-31557946-A-G.
Identifiers: ClinVar variation 335746 (VCV000335746.5), dbSNP rs45532535, ClinGen allele CA10613181.

ClinVar aggregate classification (germline): Likely benign (1 of 4 stars; one submission).

Conditions:
Hereditary xanthinuria type 1 (XAN1). Identifiers: Orphanet 3467, Orphanet 93601, MedGen C0268118, MONDO:0010209, OMIM 278300.

Allele frequency attached by ClinVar (database versions not stated): gnomAD 0.01461 and 0.01583; TOPMed 0.01687; 1000 Genomes Project 0.01797; 1000 Genomes Project 30x 0.01874.

Submission:

Illumina Laboratory Services, Illumina
Classification: Likely benign for Hereditary xanthinuria type 1. Last evaluated: 2017-04-28. Review status: criteria provided, single submitter. Criteria: ICSL Variant Classification Criteria 13 December 2019. Collection method: clinical testing. Allele origin: germline.
Comment: This variant was observed as part of a predisposition screen in an ostensibly healthy population. A literature search was performed for the gene, cDNA change, and amino acid change (where applicable). No publications were found based on this search. Allele frequency data from public databases allowed determination this variant is unlikely to cause disease. Therefore, this variant is classified as likely benign.